The following is an entry in ClinVar:

NM_000083.3(CLCN1):c.1701C>A (p.Asn567Lys)

Gene: CLCN1 (chloride voltage-gated channel 1; plus strand). Cytogenetic location: 7q34.
Variant type: single nucleotide variant.
Coding change: c.1701C>A on transcript NM_000083.3 (MANE Select); coding-DNA position 1701, C replaced by A.
Protein change: p.Asn567Lys; replaces asparagine 567 with lysine.
Molecular consequence: missense variant. On other transcripts: non-coding transcript variant (1).
Genome position (GRCh38, 1-based): chr7:143,342,047, C>A. VCF-style: chr7-143342047-C-A. GRCh37 (hg19) VCF-style: chr7-143039140-C-A.
Other names: short protein forms N567K.
Identifiers: ClinVar variation 836083 (VCV000836083.12), dbSNP rs779726850, ClinGen allele CA168221674.

ClinVar aggregate classification (germline): Conflicting classifications of pathogenicity. Review status: criteria provided, conflicting classifications (1 of 4 stars). 4 submissions from 4 submitters: Pathogenic (1); Likely pathogenic (2); Uncertain significance (1). Last evaluated 2026-02-18.

Conditions:
Congenital myotonia, autosomal recessive form. Also called: Becker Generalized Myotonia; myotonia congenita, autosomal recessive; BECKER DISEASE. Identifiers: Orphanet 614, MedGen C0751360, MONDO:0009715, OMIM 255700.
Congenital myotonia, autosomal dominant form (THD). Also called: THOMSEN DISEASE; Myotonia congenita autosomal dominant. Identifiers: Orphanet 614, MedGen C2936781, MONDO:0008055, OMIM 160800.

Submissions (4):

GeneDx
Classification: Likely pathogenic. Last evaluated: 2026-02-18. Review status: criteria provided, single submitter. Criteria: GeneDx Variant Classification Process June 2021. Collection method: clinical testing. Allele origin: germline.
Comment: Published functional studies demonstrate a damaging effect by significantly provoking channel depolarization compared to wild type CLCN1 (PMID: 22094069); Not observed at significant frequency in large population cohorts (gnomAD); In silico analysis supports that this missense variant has a deleterious effect on protein structure/function; This variant is associated with the following publications: (PMID: 22094069, 28427807, 31544778, 29588063, 37355912)

3billion
Classification: Likely pathogenic for Congenital myotonia, autosomal dominant form. Last evaluated: 2025-12-13. Review status: criteria provided, single submitter. Criteria: ACMG Guidelines, 2015. Collection method: clinical testing. Allele origin: germline. Affected: yes.
Comment: The variant is not observed in the gnomAD v4.1.0 dataset. Predicted Consequence/Location: Missense variant Functional studies provide supporting evidence of the variant having a damaging effect on the gene or gene product (PMID: 22094069). In silico tool predictions suggest damaging effect of the variant on gene or gene product [REVEL: 0.62 (>=0.6, sensitivity 0.68 and specificity 0.92); 3Cnet: 0.99 (> 0.75, sensitivity 0.96 and precision 0.92)]. The same nucleotide change resulting in the same amino acid change has been previously reported to be associated with CLCN1-related disorder (PMID: 22094069 /3billion dataset).A different missense change at the same codon (p.Asn567His) has been reported to be associated with CLCN1-related disorder (ClinVar ID: VCV002925427 /PMID: 23113340). Therefore, this variant is classified as Likely pathogenic according to the recommendation of ACMG/AMP guideline.

Labcorp Genetics (formerly Invitae), Labcorp
Classification: Uncertain significance for Congenital myotonia, autosomal recessive form; Congenital myotonia, autosomal dominant form. Last evaluated: 2025-10-02. Review status: criteria provided, single submitter. Criteria: Invitae Variant Classification Sherloc (09022015). Collection method: clinical testing. Allele origin: germline.
Comment: This sequence change replaces asparagine, which is neutral and polar, with lysine, which is basic and polar, at codon 567 of the CLCN1 protein (p.Asn567Lys). This variant is not present in population databases (gnomAD no frequency). This missense change has been observed in individual(s) with myotonia congenita (PMID: 22094069, 28427807). ClinVar contains an entry for this variant (Variation ID: 836083). Invitae Evidence Modeling of protein sequence and biophysical properties (such as structural, functional, and spatial information, amino acid conservation, physicochemical variation, residue mobility, and thermodynamic stability) has been performed for this missense variant. However, the output from this modeling did not meet the statistical confidence thresholds required to predict the impact of this variant on CLCN1 protein function. Experimental studies have shown that this missense change affects CLCN1 function (PMID: 22094069). In summary, the available evidence is currently insufficient to determine the role of this variant in disease. Therefore, it has been classified as a Variant of Uncertain Significance.

Clinical Genetics Service, Universitary Hospital 12 de Octubre
Classification: Pathogenic for Congenital myotonia, autosomal dominant form. Review status: criteria provided, single submitter. Criteria: ACMG Guidelines, 2015. Collection method: clinical testing. Allele origin: germline. Affected: yes.

Literature cited by the submitters: PubMed 23113340 (cited by 3billion); PubMed 22094069 (cited by 3billion and Labcorp Genetics (formerly Invitae), Labcorp); PubMed 28427807 (cited by Labcorp Genetics (formerly Invitae), Labcorp).